The following is an entry in ClinVar:

NM_004104.5(FASN):c.4889C>T (p.Pro1630Leu)

Gene: FASN (fatty acid synthase; minus strand). Cytogenetic location: 17q25.3.
Variant type: single nucleotide variant.
Coding change: c.4889C>T on transcript NM_004104.5 (MANE Select); coding-DNA position 4889, C replaced by T.
Protein change: p.Pro1630Leu; replaces proline 1630 with leucine.
Molecular consequence: missense variant.
Genome position (GRCh38, 1-based): chr17:82,084,264, G>A on the plus strand (C>T on the coding strand, the complement: FASN is on the minus strand). VCF-style: chr17-82084264-G-A. GRCh37 (hg19) VCF-style: chr17-80042140-G-A.
Other names: short protein forms P1630L.
Identifiers: ClinVar variation 1353479 (VCV001353479.8), dbSNP rs779327861, ClinGen allele CA8851909.

ClinVar aggregate classification (germline): Uncertain significance (1 of 4 stars; one submission).

Conditions:
Epileptic encephalopathy. Identifiers: MedGen C0543888, HP:0200134.

Allele frequency attached by ClinVar (database versions not stated): gnomAD exomes 0.00008 and 0.00004; TOPMed 0.00009; gnomAD 0.00001; ExAC 0.00006.
gnomAD v4.1: 63 of 1,611,840 alleles (0.0039%); highest among the groups gnomAD compares: Middle Eastern, 0.23%; no homozygotes.

Submission:

Labcorp Genetics (formerly Invitae), Labcorp
Classification: Uncertain significance for Epileptic encephalopathy. Last evaluated: 2025-08-20. Review status: criteria provided, single submitter. Criteria: Invitae Variant Classification Sherloc (09022015). Collection method: clinical testing. Allele origin: germline.
Comment: This sequence change replaces proline, which is neutral and non-polar, with leucine, which is neutral and non-polar, at codon 1630 of the FASN protein (p.Pro1630Leu). This variant is present in population databases (rs779327861, gnomAD 0.04%). This variant has not been reported in the literature in individuals affected with FASN-related conditions. ClinVar contains an entry for this variant (Variation ID: 1353479). An algorithm developed to predict the effect of missense changes on protein structure and function (PolyPhen-2) suggests that this variant is likely to be tolerated. In summary, the available evidence is currently insufficient to determine the role of this variant in disease. Therefore, it has been classified as a Variant of Uncertain Significance.